The following is an entry in ClinVar:

ClinVar aggregate classification (germline): Benign (0 of 4 stars; one submission).

Conditions:
MYO16-related disorder. Also called: MYO16-related condition.

Allele frequency attached by ClinVar (database versions not stated): 1000 Genomes Project 0.09485; 1000 Genomes Project 30x 0.09713; ExAC 0.10477; gnomAD 0.12013; TOPMed 0.12161; gnomAD exomes 0.12321; ESP Exome Variant Server 0.13509.
gnomAD v4.1: 197,654 of 1,610,966 alleles (12%); highest among the groups gnomAD compares: African/African-American, 14%; 12,818 homozygotes.

Submission:

PreventionGenetics, part of Exact Sciences
Classification: Benign for MYO16-related condition. Last evaluated: 2019-10-21. Review status: no assertion criteria provided. Collection method: clinical testing. Allele origin: germline.
Comment: This variant is classified as benign based on ACMG/AMP sequence variant interpretation guidelines (Richards et al. 2015 PMID: 25741868, with internal and published modifications).

NM_001198950.3(MYO16):c.1220T>C (p.Met407Thr)

Gene: MYO16 (myosin XVI; plus strand). Cytogenetic location: 13q33.3.
Variant type: single nucleotide variant.
Coding change: c.1220T>C on transcript NM_001198950.3 (MANE Select); coding-DNA position 1220, T replaced by C.
Protein change: p.Met407Thr; replaces methionine 407 with threonine.
Molecular consequence: missense variant.
Genome position (GRCh38, 1-based): chr13:108,844,465, T>C. VCF-style: chr13-108844465-T-C. GRCh37 (hg19) VCF-style: chr13-109496813-T-C.
Other names: c.1154T>C, p.Met385Thr (NM_015011.3); short protein forms M385T, M407T.
Identifiers: ClinVar variation 3060129 (VCV003060129.2), dbSNP rs16973313, ClinGen allele CA7044652.